The following is an entry in ClinVar:

ClinVar aggregate classification (germline): Pathogenic (1 of 4 stars; one submission).

Conditions:
Joubert syndrome. Also called: CEREBELLOPARENCHYMAL DISORDER IV; JOUBERT-BOLTSHAUSER SYNDROME; Familial aplasia of the vermis. Identifiers: Orphanet 475, MedGen C5979921, MONDO:0018772.
Meckel-Gruber syndrome. Also called: DYSENCEPHALIA SPLANCHNOCYSTICA; GRUBER SYNDROME; Dysencephalia splachnocystica. Identifiers: Orphanet 564, MedGen C0265215, MONDO:0018921.

Submission:

Labcorp Genetics (formerly Invitae), Labcorp
Classification: Pathogenic for Joubert syndrome; Meckel-Gruber syndrome. Last evaluated: 2023-11-28. Review status: criteria provided, single submitter. Criteria: Invitae Variant Classification Sherloc (09022015). Collection method: clinical testing. Allele origin: germline.
Comment: This sequence change creates a premature translational stop signal (p.Leu447Cysfs*13) in the RPGRIP1L gene. It is expected to result in an absent or disrupted protein product. Loss-of-function variants in RPGRIP1L are known to be pathogenic (PMID: 17558409). This variant is not present in population databases (gnomAD no frequency). This variant has not been reported in the literature in individuals affected with RPGRIP1L-related conditions. For these reasons, this variant has been classified as Pathogenic.

Literature cited by the submitters: PubMed 17558409.

NM_015272.5(RPGRIP1L):c.1340del (p.Leu447fs)

Gene: RPGRIP1L (RPGRIP1 like; minus strand). Cytogenetic location: 16q12.2.
Variant type: Deletion.
Coding change: c.1340del on transcript NM_015272.5 (MANE Select); coding-DNA position 1340, one base deleted (T; older notation c.1340delT).
Protein change: p.Leu447fs; shifts the reading frame from leucine 447.
Molecular consequence: frameshift variant.
Genome position (GRCh38, 1-based): chr16:53,658,782, A deleted on the plus strand (T on the coding strand, the reverse complement: RPGRIP1L is on the minus strand); the first of 2 consecutive A bases (chr16:53,658,782-53,658,783); deleting either gives the same sequence. VCF-style (leftmost placement, unchanged base first): chr16-53658781-CA-C. GRCh37 (hg19) VCF-style: chr16-53692693-CA-C.
Other names: c.1340del, p.Leu447fs (NM_001127897.4, NM_001308334.3, NM_001330538.2); short protein forms L447fs.
Identifiers: ClinVar variation 2954259 (VCV002954259.3), dbSNP rs2544308444, ClinGen allele CA2499306947.